The following is an entry in ClinVar:

ClinVar aggregate classification (germline): Uncertain significance (1 of 4 stars; one submission).

Submission:

GeneDx
Classification: Uncertain significance. Last evaluated: 2024-01-18. Review status: criteria provided, single submitter. Criteria: GeneDx Variant Classification Process June 2021. Collection method: clinical testing. Allele origin: germline. Affected: yes.
Comment: Not observed at significant frequency in large population cohorts (gnomAD); In silico analysis supports that this missense variant has a deleterious effect on protein structure/function; Has not been previously published as pathogenic or benign to our knowledge

NM_015272.5(RPGRIP1L):c.1253A>C (p.Glu418Ala)

Gene: RPGRIP1L (RPGRIP1 like; minus strand). Cytogenetic location: 16q12.2.
Variant type: single nucleotide variant.
Coding change: c.1253A>C on transcript NM_015272.5 (MANE Select); coding-DNA position 1253, A replaced by C.
Protein change: p.Glu418Ala; replaces glutamic acid 418 with alanine.
Molecular consequence: missense variant.
Genome position (GRCh38, 1-based): chr16:53,658,869, T>G on the plus strand (A>C on the coding strand, the complement: RPGRIP1L is on the minus strand). VCF-style: chr16-53658869-T-G. GRCh37 (hg19) VCF-style: chr16-53692781-T-G.
Other names: c.1253A>C, p.Glu418Ala (NM_001127897.4, NM_001308334.3, NM_001330538.2); short protein forms E418A.
Identifiers: ClinVar variation 3368063 (VCV003368063.1).